The following is an entry in ClinVar:

NM_001365951.3(KIF1B):c.1906C>G (p.His636Asp)

Gene: KIF1B (kinesin family member 1B; plus strand). Cytogenetic location: 1p36.22.
Variant type: single nucleotide variant.
Coding change: c.1906C>G on transcript NM_001365951.3 (MANE Select); coding-DNA position 1906, C replaced by G.
Protein change: p.His636Asp; replaces histidine 636 with aspartic acid.
Molecular consequence: missense variant.
Genome position (GRCh38, 1-based): chr1:10,296,941, C>G. VCF-style: chr1-10296941-C-G. GRCh37 (hg19) VCF-style: chr1-10356999-C-G.
Other names: c.1906C>G, p.His636Asp (NM_001365952.1); c.1768C>G, p.His590Asp (NM_001365953.1, NM_015074.3, NM_183416.4); short protein forms H636D, H590D.
Identifiers: ClinVar variation 845941 (VCV000845941.12), dbSNP rs772578159, ClinGen allele CA581126.

ClinVar aggregate classification (germline): Uncertain significance. Review status: criteria provided, multiple submitters, no conflicts (2 of 4 stars). 2 submissions from 2 submitters: Uncertain significance (2). Last evaluated 2025-08-27.

Conditions:
Charcot-Marie-Tooth disease type 2. Also called: Charcot-Marie-Tooth type 2. Identifiers: Orphanet 64746, MedGen C0270914, MONDO:0018993.

Allele frequency attached by ClinVar (database versions not stated): gnomAD exomes below 0.00001; ExAC 0.00001.
gnomAD v4.1: 2 of 1,613,986 alleles (0.00012%); highest among the groups gnomAD compares: Admixed American, 0.0033%; no homozygotes.

Submissions (2):

Ambry Genetics
Classification: Uncertain significance. Last evaluated: 2025-08-27. Review status: criteria provided, single submitter. Criteria: Ambry Variant Classification Scheme 2023. Collection method: clinical testing. Allele origin: germline.

Labcorp Genetics (formerly Invitae), Labcorp
Classification: Uncertain significance for Charcot-Marie-Tooth disease type 2. Last evaluated: 2024-09-15. Review status: criteria provided, single submitter. Criteria: Invitae Variant Classification Sherloc (09022015). Collection method: clinical testing. Allele origin: germline.
Comment: This sequence change replaces histidine, which is basic and polar, with aspartic acid, which is acidic and polar, at codon 590 of the KIF1B protein (p.His590Asp). This variant is present in population databases (rs772578159, gnomAD 0.003%). This variant has not been reported in the literature in individuals affected with KIF1B-related conditions. ClinVar contains an entry for this variant (Variation ID: 845941). Invitae Evidence Modeling of protein sequence and biophysical properties (such as structural, functional, and spatial information, amino acid conservation, physicochemical variation, residue mobility, and thermodynamic stability) indicates that this missense variant is not expected to disrupt KIF1B protein function with a negative predictive value of 80%. In summary, the available evidence is currently insufficient to determine the role of this variant in disease. Therefore, it has been classified as a Variant of Uncertain Significance.